The following is an entry in ClinVar:

ClinVar aggregate classification (germline): Benign/Likely benign. Review status: criteria provided, multiple submitters, no conflicts (2 of 4 stars). 3 submissions from 3 submitters: Benign (1); Likely benign (1). 1 of the submissions does not count toward it. Last evaluated 2023-07-26.

Conditions:
TOPORS-related disorder. Also called: TOPORS-related condition.

Allele frequency attached by ClinVar (database versions not stated): gnomAD exomes 0.00002; ExAC 0.00004.

Submissions (3):

Blueprint Genetics
Classification: Likely benign. Last evaluated: 2023-07-26. Review status: criteria provided, single submitter. Criteria: ACMG Guidelines, 2015. Collection method: clinical testing. Allele origin: germline.

Labcorp Genetics (formerly Invitae), Labcorp
Classification: Benign. Last evaluated: 2022-10-18. Review status: criteria provided, single submitter. Criteria: Invitae Variant Classification Sherloc (09022015). Collection method: clinical testing. Allele origin: germline.

PreventionGenetics, part of Exact Sciences
Classification: Likely benign for TOPORS-related condition. Last evaluated: 2019-05-28. Review status: no assertion criteria provided. Collection method: clinical testing. Allele origin: germline. Not counted in ClinVar's aggregate classification.
Comment: This variant is classified as likely benign based on ACMG/AMP sequence variant interpretation guidelines (Richards et al. 2015 PMID: 25741868, with internal and published modifications).

NM_005802.5(TOPORS):c.1702T>C (p.Leu568=)

Gene: TOPORS (TOP1 binding arginine/serine rich protein, E3 ubiquitin ligase; minus strand). Cytogenetic location: 9p21.1.
Variant type: single nucleotide variant.
Coding change: c.1702T>C on transcript NM_005802.5 (MANE Select); coding-DNA position 1702, T replaced by C.
Protein change: p.Leu568=; no amino-acid change (leucine 568 retained).
Molecular consequence: synonymous variant.
Genome position (GRCh38, 1-based): chr9:32,542,823, A>G on the plus strand (T>C on the coding strand, the complement: TOPORS is on the minus strand). VCF-style: chr9-32542823-A-G. GRCh37 (hg19) VCF-style: chr9-32542821-A-G.
Other names: c.1507T>C, p.Leu503= (NM_001195622.2); c.1702T>C (NM_005802.4).
Identifiers: ClinVar variation 1924960 (VCV001924960.8), dbSNP rs749341788, ClinGen allele CA5020487.